The following is an entry in ClinVar:

NM_001139.3(ALOX12B):c.56G>A (p.Arg19Gln)

Gene: ALOX12B (arachidonate 12-lipoxygenase, 12R type; minus strand). Cytogenetic location: 17p13.1.
Variant type: single nucleotide variant.
Coding change: c.56G>A on transcript NM_001139.3 (MANE Select); coding-DNA position 56, G replaced by A.
Protein change: p.Arg19Gln; replaces arginine 19 with glutamine.
Molecular consequence: missense variant.
Genome position (GRCh38, 1-based): chr17:8,087,387, C>T on the plus strand (G>A on the coding strand, the complement: ALOX12B is on the minus strand). VCF-style: chr17-8087387-C-T. GRCh37 (hg19) VCF-style: chr17-7990705-C-T.
Other names: short protein forms R19Q.
Identifiers: ClinVar variation 1696171 (VCV001696171.2), dbSNP rs140795969, ClinGen allele CA8367813.
Genomic context (GRCh38, chr17:8,087,387, plus strand): 5'-TTCAGCAGCTGCTTATGGCTCTCTCCTTGTGTCCCCACAATGGTCAGTGAGATGGAGTCC[C>T]GTGTTCCCGACAAGAGGTCGGTGCCTGTGGCCACCCTGACTTTGTAGGTGGCCATGGCTG-3'
Protein context (NP_001130.1, residues 9-29): ATGTDLLSGT[Arg19Gln]DSISLTIVGT

ClinVar aggregate classification (germline): Conflicting classifications of pathogenicity. Review status: criteria provided, conflicting classifications (1 of 4 stars). 2 submissions from 2 submitters: Uncertain significance (1); Likely benign (1). Last evaluated 2026-04-16.

Allele frequency attached by ClinVar (database versions not stated): gnomAD exomes 0.00023; ESP Exome Variant Server 0.00015; gnomAD 0.00015 and 0.00011; TOPMed 0.00011; ExAC 0.00023; 1000 Genomes Project 30x 0.00016; 1000 Genomes Project 0.00020.
gnomAD v4.1: 327 of 1,614,242 alleles (0.02%); highest among the groups gnomAD compares: South Asian, 0.15%; 2 homozygotes.

Submissions (2):

GeneDx
Classification: Uncertain significance. Last evaluated: 2026-04-16. Review status: criteria provided, single submitter. Criteria: GeneDx Variant Classification Process June 2021. Collection method: clinical testing. Allele origin: germline.
Comment: In silico analysis suggests that this missense variant does not alter protein structure/function; Has not been previously published as pathogenic or benign to our knowledge

Women's Health and Genetics/Laboratory Corporation of America, LabCorp
Classification: Likely benign. Last evaluated: 2022-05-04. Review status: criteria provided, single submitter. Criteria: LabCorp Variant Classification Summary - May 2015. Collection method: clinical testing. Allele origin: germline.
Comment: Variant summary: ALOX12B c.56G>A (p.Arg19Gln) results in a conservative amino acid change located in the PLAT/LH2 domain (IPR001024) of the encoded protein sequence. Five of five in-silico tools predict a benign effect of the variant on protein function. The variant allele was found at a frequency of 0.00023 in 251496 control chromosomes, predominantly at a frequency of 0.0015 within the South Asian subpopulation in the gnomAD database. The observed variant frequency within South Asian control individuals in the gnomAD database is higher than the estimated maximal expected allele frequency for a pathogenic variant in ALOX12B causing Lamellar Ichthyosis phenotype (0.0009), strongly suggesting that the variant is a benign polymorphism found primarily in populations of South Asian origin. To our knowledge, no occurrence of c.56G>A in individuals affected with Lamellar Ichthyosis and no experimental evidence demonstrating its impact on protein function have been reported. No clinical diagnostic laboratories have submitted clinical-significance assessments for this variant to ClinVar after 2014. Based on the evidence outlined above, the variant was classified as likely benign.